The following is an entry in ClinVar:

NM_006231.4(POLE):c.2352G>C (p.Glu784Asp)

Gene: POLE (DNA polymerase epsilon, catalytic subunit; minus strand). Cytogenetic location: 12q24.33.
Variant type: single nucleotide variant.
Coding change: c.2352G>C on transcript NM_006231.4 (MANE Select); coding-DNA position 2352, G replaced by C.
Protein change: p.Glu784Asp; replaces glutamic acid 784 with aspartic acid.
Molecular consequence: missense variant.
Genome position (GRCh38, 1-based): chr12:132,665,418, C>G on the plus strand (G>C on the coding strand, the complement: POLE is on the minus strand). VCF-style: chr12-132665418-C-G. GRCh37 (hg19) VCF-style: chr12-133242004-C-G.
Other names: short protein forms E784D.
Identifiers: ClinVar variation 1350192 (VCV001350192.10), dbSNP rs2135962087, ClinGen allele CA387397796.
Genomic context (GRCh38, chr12:132,665,418, plus strand): 5'-CAGCGAGTCATACAGCACCTCCATGTTCTTGCAGCGCTTCACCTCAGCCGCGTCGCCCAC[C>G]TCCACGGCCGCCGAGAGCTTCTTTTTCCACACCTGAGAAGCACATGAACATGGAGCACCT-3'
Protein context (NP_006222.2, residues 774-794): VWKKKLSAAV[Glu784Asp]VGDAAEVKRC

ClinVar aggregate classification (germline): Uncertain significance. Review status: criteria provided, multiple submitters, no conflicts (2 of 4 stars). 2 submissions from 2 submitters: Uncertain significance (2). Last evaluated 2022-09-19.

Conditions:
Hereditary cancer-predisposing syndrome. Also called: Hereditary neoplastic syndrome; Tumor predisposition; Neoplastic Syndromes, Hereditary; Hereditary Cancer Syndrome. Identifiers: Orphanet 140162, MedGen C0027672, MeSH D009386, MONDO:0015356.

Submissions (2):

Ambry Genetics
Classification: Uncertain significance for Hereditary cancer-predisposing syndrome. Last evaluated: 2022-09-19. Review status: criteria provided, single submitter. Criteria: Ambry Variant Classification Scheme 2023. Collection method: clinical testing. Allele origin: germline.
Comment: The p.E784D variant (also known as c.2352G>C), located in coding exon 21 of the POLE gene, results from a G to C substitution at nucleotide position 2352. The glutamic acid at codon 784 is replaced by aspartic acid, an amino acid with highly similar properties. This amino acid position is conserved. In addition, this alteration is predicted to be tolerated by in silico analysis. Since supporting evidence is limited at this time, the clinical significance of this alteration remains unclear.

Labcorp Genetics (formerly Invitae), Labcorp
Classification: Uncertain significance. Last evaluated: 2021-04-30. Review status: criteria provided, single submitter. Criteria: Invitae Variant Classification Sherloc (09022015). Collection method: clinical testing. Allele origin: germline.
Comment: This sequence change replaces glutamic acid with aspartic acid at codon 784 of the POLE protein (p.Glu784Asp). The glutamic acid residue is moderately conserved and there is a small physicochemical difference between glutamic acid and aspartic acid. In summary, the available evidence is currently insufficient to determine the role of this variant in disease. Therefore, it has been classified as a Variant of Uncertain Significance. Algorithms developed to predict the effect of missense changes on protein structure and function (SIFT, PolyPhen-2, Align-GVGD) all suggest that this variant is likely to be tolerated, but these predictions have not been confirmed by published functional studies and their clinical significance is uncertain. This variant has not been reported in the literature in individuals with POLE-related conditions. This variant is not present in population databases (ExAC no frequency).